The following is an entry in ClinVar:

ClinVar aggregate classification (germline): Pathogenic (1 of 4 stars; one submission).

Conditions:
Melnick-Fraser syndrome (BOR). Also called: Branchiootorenal syndrome; Branchio-oto-renal syndrome; Branchiootorenal Syndrome (BORS). Identifiers: Orphanet 107, MedGen C0265234, MONDO:0007029.

Submission:

Labcorp Genetics (formerly Invitae), Labcorp
Classification: Pathogenic for Melnick-Fraser syndrome. Last evaluated: 2018-10-08. Review status: criteria provided, single submitter. Criteria: Invitae Variant Classification Sherloc (09022015). Collection method: clinical testing. Allele origin: germline.
Comment: This sequence change creates a premature translational stop signal (p.Val452Trpfs*8) in the EYA1 gene. It is expected to result in an absent or disrupted protein product. This variant is not present in population databases (ExAC no frequency). This variant has not been reported in the literature in individuals with EYA1-related disease. Loss-of-function variants in EYA1 are known to be pathogenic (PMID: 18220287, 10464653). For these reasons, this variant has been classified as Pathogenic.

Literature cited by the submitters: PubMed 18220287; PubMed 10464653.

NM_000503.6(EYA1):c.1354_1355del (p.Val452fs)

Gene: EYA1 (EYA transcriptional coactivator and phosphatase 1; minus strand). Cytogenetic location: 8q13.3.
Variant type: Deletion.
Coding change: c.1354_1355del on transcript NM_000503.6 (MANE Select); coding-DNA positions 1354 to 1355, 2 bases deleted (GT; older notation c.1354_1355delGT).
Protein change: p.Val452fs; shifts the reading frame from valine 452.
Molecular consequence: frameshift variant.
Genome position (GRCh38, 1-based): chr8:71,216,697-71,216,698, AC deleted on the plus strand (GT on the coding strand, the reverse complement: EYA1 is on the minus strand); deleting any 2 consecutive bases within chr8:71,216,697-71,216,699 gives the same sequence; the c. name uses the placement nearest the transcript's 3' end. VCF-style (leftmost placement, unchanged base first): chr8-71216696-AAC-A. GRCh37 (hg19) VCF-style: chr8-72128931-AAC-A.
Other names: c.1336_1337del, p.Val446fs (NM_172059.5, NM_001288574.2); c.988_989del, p.Val330fs (NM_001288575.2); c.1441_1442del, p.Val481fs (NM_001370333.1); c.1354_1355del, p.Val452fs (NM_001370334.1, NM_001370335.1, NM_172058.4); c.1333_1334del, p.Val445fs (NM_001370336.1); short protein forms V446fs, V481fs, V330fs, V445fs, V452fs.
Identifiers: ClinVar variation 653122 (VCV000653122.8), dbSNP rs1585817892, ClinGen allele CA915945733.